The following is an entry in ClinVar:

ClinVar aggregate classification (germline): Pathogenic. Review status: criteria provided, multiple submitters, no conflicts (2 of 4 stars). 2 submissions from 2 submitters: Pathogenic (2). Last evaluated 2024-08-07.

Conditions:
Hereditary spastic paraplegia 15 (SPG15). Also called: SPASTIC PARAPLEGIA AND RETINAL DEGENERATION; SPASTIC PARAPLEGIA 15, AUTOSOMAL RECESSIVE; KJELLIN SYNDROME. Identifiers: Orphanet 100996, MedGen C1849128, MONDO:0010044, OMIM 270700.
Spastic paraplegia. Identifiers: MedGen C0037772, HP:0001258.

Submissions (2):

Myriad Genetics, Inc.
Classification: Pathogenic for Hereditary spastic paraplegia 15. Last evaluated: 2024-08-07. Review status: criteria provided, single submitter. Criteria: Myriad Autosomal Dominant, Autosomal Recessive and X-Linked Classification Criteria (2023). Collection method: clinical testing. Allele origin: unknown.
Comment: NM_015346.3(ZFYVE26):c.3610C>T(Q1204*) is expected to be pathogenic in the context of spastic paraplegia type 15. This variant is predicted to lead to an abnormal or absent protein product due to the creation of a premature termination codon in ZFYVE26, a gene where loss-of-function variants are known to be pathogenic. Please note: this variant was assessed in the context of healthy population screening.

Labcorp Genetics (formerly Invitae), Labcorp
Classification: Pathogenic for Spastic paraplegia. Last evaluated: 2021-04-12. Review status: criteria provided, single submitter. Criteria: Invitae Variant Classification Sherloc (09022015). Collection method: clinical testing. Allele origin: germline.
Comment: This variant is present in population databases (rs759856890, ExAC 0.001%). For these reasons, this variant has been classified as Pathogenic. This variant has not been reported in the literature in individuals with ZFYVE26-related conditions. This sequence change creates a premature translational stop signal (p.Gln1204*) in the ZFYVE26 gene. It is expected to result in an absent or disrupted protein product. Loss-of-function variants in ZFYVE26 are known to be pathogenic (PMID: 18394578, 19805727).

Literature cited by the submitters: PubMed 18394578 (cited by Labcorp Genetics (formerly Invitae), Labcorp); PubMed 19805727 (cited by Labcorp Genetics (formerly Invitae), Labcorp).

NM_015346.4(ZFYVE26):c.3610C>T (p.Gln1204Ter)

Gene: ZFYVE26 (zinc finger FYVE-type containing 26; minus strand). Cytogenetic location: 14q24.1.
Variant type: single nucleotide variant.
Coding change: c.3610C>T on transcript NM_015346.4 (MANE Select); coding-DNA position 3610, C replaced by T.
Protein change: p.Gln1204Ter; replaces glutamine 1204 with a stop codon.
Molecular consequence: nonsense.
Genome position (GRCh38, 1-based): chr14:67,784,350, G>A on the plus strand (C>T on the coding strand, the complement: ZFYVE26 is on the minus strand). VCF-style: chr14-67784350-G-A. GRCh37 (hg19) VCF-style: chr14-68251067-G-A.
Other names: short protein forms Q1204*.
Identifiers: ClinVar variation 1453026 (VCV001453026.7), dbSNP rs759856890, ClinGen allele CA7239960.